The following is an entry in ClinVar:

NM_001037335.2(HELZ2):c.7899C>T (p.Leu2633=)

Gene: HELZ2 (helicase with zinc finger 2; minus strand). Cytogenetic location: 20q13.33.
Variant type: single nucleotide variant.
Coding change: c.7899C>T on transcript NM_001037335.2 (MANE Select); coding-DNA position 7899, C replaced by T.
Protein change: p.Leu2633=; no amino-acid change (leucine 2633 retained).
Molecular consequence: synonymous variant.
Genome position (GRCh38, 1-based): chr20:63,559,297, G>A on the plus strand (C>T on the coding strand, the complement: HELZ2 is on the minus strand). VCF-style: chr20-63559297-G-A. GRCh37 (hg19) VCF-style: chr20-62190650-G-A.
Other names: c.6192C>T, p.Leu2064= (NM_033405.3).
Identifiers: ClinVar variation 2652547 (VCV002652547.24), dbSNP rs141761578, ClinGen allele CA9960929.

ClinVar aggregate classification (germline): Likely benign (1 of 4 stars; one submission).

Allele frequency attached by ClinVar (database versions not stated): 1000 Genomes Project 30x 0.00047; 1000 Genomes Project 0.00060; TOPMed 0.00113; gnomAD 0.00115; ESP Exome Variant Server 0.00116; ExAC 0.00164.
gnomAD v4.1: 2,075 of 1,597,186 alleles (0.13%); highest among the groups gnomAD compares: Non-Finnish European, 0.14%; 2 homozygotes.

Submission:

CeGaT Center for Human Genetics Tuebingen
Classification: Likely benign. Last evaluated: 2022-10-01. Review status: criteria provided, single submitter. Criteria: CeGaT Center For Human Genetics Tuebingen Variant Classification Criteria Version 2. Collection method: clinical testing. Allele origin: germline. Affected: yes. Observed: 1 variant allele.
Comment: HELZ2: BP4, BP7